The following is an entry in ClinVar:

NM_005612.5(REST):c.2810A>C (p.Lys937Thr)

Gene: REST (RE1 silencing transcription factor; plus strand). Cytogenetic location: 4q12.
Variant type: single nucleotide variant.
Coding change: c.2810A>C on transcript NM_005612.5 (MANE Select); coding-DNA position 2810, A replaced by C.
Protein change: p.Lys937Thr; replaces lysine 937 with threonine.
Molecular consequence: missense variant.
Genome position (GRCh38, 1-based): chr4:56,931,668, A>C. VCF-style: chr4-56931668-A-C. GRCh37 (hg19) VCF-style: chr4-57797834-A-C.
Other names: c.2810A>C, p.Lys937Thr (NM_001193508.2, NM_001363453.3); short protein forms K937T.
Identifiers: ClinVar variation 1392559 (VCV001392559.8), dbSNP rs887450489, ClinGen allele CA357009580.
Genomic context (GRCh38, chr4:56,931,668, plus strand): 5'-CCCATATTTCATCCTCTGGACAAAACTTGAATACGCCAGAGGGTGAAACTTTAAATGGTA[A>C]ACATCAGACTGACAGTATAGTTTGTGAAATGAAAATGGACACTGATCAGAACACAAGAGA-3'
Protein context (NP_005603.3, residues 927-947): NTPEGETLNG[Lys937Thr]HQTDSIVCEM

ClinVar aggregate classification (germline): Uncertain significance (1 of 4 stars; one submission).

Allele frequency attached by ClinVar (database versions not stated): gnomAD exomes below 0.00001.

Submission:

Labcorp Genetics (formerly Invitae), Labcorp
Classification: Uncertain significance. Last evaluated: 2021-01-28. Review status: criteria provided, single submitter. Criteria: Invitae Variant Classification Sherloc (09022015). Collection method: clinical testing. Allele origin: germline.
Comment: This variant has not been reported in the literature in individuals with REST-related conditions. This sequence change replaces lysine with threonine at codon 937 of the REST protein (p.Lys937Thr). The lysine residue is moderately conserved and there is a moderate physicochemical difference between lysine and threonine. This variant is not present in population databases (ExAC no frequency). Algorithms developed to predict the effect of missense changes on protein structure and function are either unavailable or do not agree on the potential impact of this missense change (SIFT: "Deleterious"; PolyPhen-2: "Benign"; Align-GVGD: "Class C0"). In summary, the available evidence is currently insufficient to determine the role of this variant in disease. Therefore, it has been classified as a Variant of Uncertain Significance.